The following is an entry in ClinVar:

ClinVar aggregate classification (germline): Pathogenic (1 of 4 stars; one submission).

Conditions:
Cohen syndrome (COH1). Also called: Cutis verticis gyrata, retinitis pigmentosa, and sensorineural deafness; PEPPER SYNDROME. Identifiers: Orphanet 193, MedGen C0265223, MONDO:0008999, OMIM 216550.

Submission:

Myriad Genetics, Inc.
Classification: Pathogenic for Cohen syndrome. Last evaluated: 2026-04-04. Review status: criteria provided, single submitter. Criteria: Myriad Autosomal Dominant, Autosomal Recessive and X-Linked Classification Criteria (2023). Collection method: clinical testing. Allele origin: unknown.
Comment: NM_017890.4(VPS13B):c.4859C>G(S1620*) is expected to be pathogenic in the context of Cohen syndrome. This variant is predicted to lead to an abnormal or absent protein product due to the creation of a premature termination codon in VPS13B, a gene where loss-of-function variants are known to be pathogenic. Please note: this variant was assessed in the context of healthy population screening.

NM_152564.5(VPS13B):c.4784C>G (p.Ser1595Ter)

Gene: VPS13B (vacuolar protein sorting 13 homolog B; plus strand). Cytogenetic location: 8q22.2.
Variant type: single nucleotide variant.
Coding change: c.4784C>G on transcript NM_152564.5 (MANE Select); coding-DNA position 4784, C replaced by G.
Protein change: p.Ser1595Ter; replaces serine 1595 with a stop codon.
Molecular consequence: nonsense.
Genome position (GRCh38, 1-based): chr8:99,556,488, C>G. VCF-style: chr8-99556488-C-G. GRCh37 (hg19) VCF-style: chr8-100568716-C-G.
Other names: c.4859C>G, p.Ser1620Ter (NM_017890.5); short protein forms S1595*, S1620*.
Identifiers: ClinVar variation 5015760 (VCV005015760.1).